The following is an entry in ClinVar:

NM_004958.4(MTOR):c.7307C>T (p.Thr2436Ile)

Gene: MTOR (mechanistic target of rapamycin kinase; minus strand). Cytogenetic location: 1p36.22.
Variant type: single nucleotide variant.
Coding change: c.7307C>T on transcript NM_004958.4 (MANE Select); coding-DNA position 7307, C replaced by T.
Protein change: p.Thr2436Ile; replaces threonine 2436 with isoleucine.
Molecular consequence: missense variant.
Genome position (GRCh38, 1-based): chr1:11,112,911, G>A on the plus strand (C>T on the coding strand, the complement: MTOR is on the minus strand). VCF-style: chr1-11112911-G-A. GRCh37 (hg19) VCF-style: chr1-11172968-G-A.
Other names: short protein forms T2436I.
Identifiers: ClinVar variation 1014457 (VCV001014457.8), dbSNP rs774670579, ClinGen allele CA338380568.

ClinVar aggregate classification (germline): Uncertain significance (1 of 4 stars; one submission).

gnomAD v4.1: 1 of 1,614,100 alleles (0.000062%); highest among the groups gnomAD compares: Admixed American, 0.0017%; no homozygotes.

Submission:

Labcorp Genetics (formerly Invitae), Labcorp
Classification: Uncertain significance. Last evaluated: 2022-09-10. Review status: criteria provided, single submitter. Criteria: Invitae Variant Classification Sherloc (09022015). Collection method: clinical testing. Allele origin: germline.
Comment: In summary, the available evidence is currently insufficient to determine the role of this variant in disease. Therefore, it has been classified as a Variant of Uncertain Significance. Advanced modeling of protein sequence and biophysical properties (such as structural, functional, and spatial information, amino acid conservation, physicochemical variation, residue mobility, and thermodynamic stability) performed at Invitae indicates that this missense variant is not expected to disrupt MTOR protein function. ClinVar contains an entry for this variant (Variation ID: 1014457). This variant has not been reported in the literature in individuals affected with MTOR-related conditions. This variant is present in population databases (no rsID available, gnomAD 0.003%). This sequence change replaces threonine, which is neutral and polar, with isoleucine, which is neutral and non-polar, at codon 2436 of the MTOR protein (p.Thr2436Ile).